The following is an entry in ClinVar:

ClinVar aggregate classification (germline): Uncertain significance (1 of 4 stars; one submission).

Conditions:
Neurodevelopmental disorder with or without seizures and gait abnormalities. Identifiers: MedGen C4693391, MONDO:0060641, OMIM 617864.

Submission:

Institute of Human Genetics, University of Leipzig Medical Center
Classification: Uncertain significance for Neurodevelopmental disorder with or without seizures and gait abnormalities. Last evaluated: 2023-05-05. Review status: criteria provided, single submitter. Criteria: ACMG Guidelines, 2015. Collection method: research. Allele origin: unknown. Affected: yes.
Comment: This variant is assumed to be de novo as it is not maternally inherited, however, the paternal sample was not available

NM_000829.4(GRIA4):c.1162G>C (p.Gly388Arg)

Gene: GRIA4 (glutamate ionotropic receptor AMPA type subunit 4; plus strand). Cytogenetic location: 11q22.3.
Variant type: single nucleotide variant.
Coding change: c.1162G>C on transcript NM_000829.4 (MANE Select); coding-DNA position 1162, G replaced by C.
Protein change: p.Gly388Arg; replaces glycine 388 with arginine.
Molecular consequence: missense variant. On other transcripts: non-coding transcript variant (1).
Genome position (GRCh38, 1-based): chr11:105,910,438, G>C. VCF-style: chr11-105910438-G-C. GRCh37 (hg19) VCF-style: chr11-105781164-G-C.
Other names: c.1162G>C (NM_000829.3); c.1162G>C, p.Gly388Arg (NM_001077243.3, NM_001077244.2, NM_001112812.2); short protein forms G388R.
Identifiers: ClinVar variation 2500996 (VCV002500996.3), dbSNP rs2497852106, ClinGen allele CA382304790.